The following is an entry in ClinVar:

ClinVar aggregate classification (germline): Uncertain significance. Review status: criteria provided, multiple submitters, no conflicts (2 of 4 stars). 2 submissions from 2 submitters: Uncertain significance (2). Last evaluated 2026-09-12.

Conditions:
Hereditary cancer-predisposing syndrome. Also called: Hereditary Cancer Syndrome; Neoplastic Syndromes, Hereditary; Hereditary neoplastic syndrome; Tumor predisposition. Identifiers: Orphanet 140162, MedGen C0027672, MeSH D009386, MONDO:0015356.
Peutz-Jeghers syndrome (PJS). Also called: POLYPOSIS, HAMARTOMATOUS INTESTINAL; POLYPS-AND-SPOTS SYNDROME; Peutz-Jeghers polyposis; Periorificial lentiginosis syndrome. Identifiers: Orphanet 2869, MedGen C0031269, MeSH D010580, MONDO:0008280, OMIM 175200.

Submissions (2):

Ambry Genetics
Classification: Uncertain significance for Hereditary cancer-predisposing syndrome. Last evaluated: 2026-09-12. Review status: criteria provided, single submitter. Criteria: Ambry Variant Classification Scheme 2023. Collection method: clinical testing. Allele origin: germline.
Comment: The p.P326S variant (also known as c.976C>T), located in coding exon 8 of the STK11 gene, results from a C to T substitution at nucleotide position 976. The proline at codon 326 is replaced by serine, an amino acid with similar properties. This amino acid position is conserved. In addition, this alteration is predicted to be tolerated by in silico analysis. Based on the available evidence, the clinical significance of this variant remains unclear.

Labcorp Genetics (formerly Invitae), Labcorp
Classification: Uncertain significance for Peutz-Jeghers syndrome. Last evaluated: 2021-07-12. Review status: criteria provided, single submitter. Criteria: Invitae Variant Classification Sherloc (09022015). Collection method: clinical testing. Allele origin: germline.
Comment: This sequence change replaces proline with serine at codon 326 of the STK11 protein (p.Pro326Ser). The proline residue is moderately conserved and there is a moderate physicochemical difference between proline and serine. This variant is not present in population databases (ExAC no frequency). This variant has not been reported in the literature in individuals affected with STK11-related conditions. Advanced modeling of protein sequence and biophysical properties (such as structural, functional, and spatial information, amino acid conservation, physicochemical variation, residue mobility, and thermodynamic stability) performed at Invitae indicates that this missense variant is not expected to disrupt STK11 protein function. In summary, the available evidence is currently insufficient to determine the role of this variant in disease. Therefore, it has been classified as a Variant of Uncertain Significance.

NM_000455.5(STK11):c.976C>T (p.Pro326Ser)

Gene: STK11 (serine/threonine kinase 11; plus strand). Cytogenetic location: 19p13.3.
Variant type: single nucleotide variant.
Coding change: c.976C>T on transcript NM_000455.5 (MANE Select); coding-DNA position 976, C replaced by T.
Protein change: p.Pro326Ser; replaces proline 326 with serine.
Molecular consequence: missense variant.
Genome position (GRCh38, 1-based): chr19:1,223,040, C>T. VCF-style: chr19-1223040-C-T. GRCh37 (hg19) VCF-style: chr19-1223039-C-T.
Other names: c.976C>T (NM_000455.4); short protein forms P326S.
Identifiers: ClinVar variation 1366796 (VCV001366796.9), dbSNP rs771632414, ClinGen allele CA402951594.
Genomic context (GRCh38, chr19:1,223,040, plus strand): 5'-TGCAGCTGGTTCCGGAAGAAACATCCTCCGGCTGAAGCACCAGTGCCCATCCCACCGAGC[C>T]CAGACACCAAGGACCGGTGGCGCAGCATGACTGTGGTGCCGTACTTGGAGGACCTGCACG-3'
Protein context (NP_000446.1, residues 316-336): AEAPVPIPPS[Pro326Ser]DTKDRWRSMT